The following is an entry in ClinVar:

ClinVar aggregate classification (germline): Uncertain significance (1 of 4 stars; one submission).

gnomAD v4.1: 1 of 1,607,796 alleles (0.000062%); highest among the groups gnomAD compares: Non-Finnish European, 0.000085%; no homozygotes.

Submission:

GeneDx
Classification: Uncertain significance. Last evaluated: 2019-05-24. Review status: criteria provided, single submitter. Criteria: GeneDx Variant Classification Process June 2021. Collection method: clinical testing. Allele origin: germline. Affected: yes.
Comment: Not observed in large population cohorts (Lek et al., 2016); In silico analysis, which includes protein predictors and evolutionary conservation, supports that this variant does not alter protein structure/function; Has not been previously published as pathogenic or benign to our knowledge

NM_025137.4(SPG11):c.251T>C (p.Phe84Ser)

Gene: SPG11 (SPG11 vesicle trafficking associated, spatacsin; minus strand). Cytogenetic location: 15q21.1.
Variant type: single nucleotide variant.
Coding change: c.251T>C on transcript NM_025137.4 (MANE Select); coding-DNA position 251, T replaced by C.
Protein change: p.Phe84Ser; replaces phenylalanine 84 with serine.
Molecular consequence: missense variant.
Genome position (GRCh38, 1-based): chr15:44,663,397, A>G on the plus strand (T>C on the coding strand, the complement: SPG11 is on the minus strand). VCF-style: chr15-44663397-A-G. GRCh37 (hg19) VCF-style: chr15-44955595-A-G.
Other names: c.251T>C, p.Phe84Ser (NM_001160227.2); short protein forms F84S.
Identifiers: ClinVar variation 1302589 (VCV001302589.2), dbSNP rs2085177672, ClinGen allele CA392238492.